The following is an entry in ClinVar:

ClinVar aggregate classification (germline): Likely pathogenic (1 of 4 stars; one submission).

Conditions:
Ehlers-Danlos syndrome, kyphoscoliotic type 1 (EDSKSCL1). Also called: Ehlers-Danlos syndrome, hydroxylysine-deficient; EHLERS-DANLOS SYNDROME, OCULAR-SCOLIOTIC TYPE; EHLERS-DANLOS SYNDROME, TYPE VIA; PLOD1-Related Kyphoscoliotic Ehlers-Danlos Syndrome. Identifiers: Orphanet 1900, MedGen C0268342, MONDO:0016002, OMIM 225400. Disease mechanism: loss of function.

Allele frequency attached by ClinVar (database versions not stated): gnomAD exomes below 0.00001.
gnomAD v4.1: 1 of 998,874 alleles (0.0001%); highest among the groups gnomAD compares: Non-Finnish European, 0.00015%; no homozygotes.

Submission:

Labcorp Genetics (formerly Invitae), Labcorp
Classification: Likely pathogenic for Ehlers-Danlos syndrome, kyphoscoliotic type 1. Last evaluated: 2023-03-12. Review status: criteria provided, single submitter. Criteria: Invitae Variant Classification Sherloc (09022015). Collection method: clinical testing. Allele origin: germline.
Comment: In summary, the currently available evidence indicates that the variant is pathogenic, but additional data are needed to prove that conclusively. Therefore, this variant has been classified as Likely Pathogenic. Algorithms developed to predict the effect of sequence changes on RNA splicing suggest that this variant may disrupt the consensus splice site. This variant has not been reported in the literature in individuals affected with PLOD1-related conditions. This variant is not present in population databases (gnomAD no frequency). This sequence change affects a donor splice site in intron 12 of the PLOD1 gene. It is expected to disrupt RNA splicing. Variants that disrupt the donor or acceptor splice site typically lead to a loss of protein function (PMID: 16199547), and loss-of-function variants in PLOD1 are known to be pathogenic (PMID: 10874315, 21699693).

Literature cited by the submitters: PubMed 16199547; PubMed 10874315; PubMed 21699693.

NM_000302.4(PLOD1):c.1328+1G>A

Gene: PLOD1 (procollagen-lysine,2-oxoglutarate 5-dioxygenase 1; plus strand). Cytogenetic location: 1p36.22.
Variant type: single nucleotide variant.
Coding change: c.1328+1G>A on transcript NM_000302.4 (MANE Select); the canonical splice donor site of the intron after coding-DNA position 1328, G replaced by A.
Molecular consequence: splice donor variant.
Genome position (GRCh38, 1-based): chr1:11,964,301, G>A. VCF-style: chr1-11964301-G-A. GRCh37 (hg19) VCF-style: chr1-12024358-G-A.
Other names: c.1469+1G>A (NM_001316320.2).
Identifiers: ClinVar variation 2845093 (VCV002845093.3), dbSNP rs2522852699, ClinGen allele CA338441756.